The following is an entry in ClinVar:

NM_015459.5(ATL3):c.1118dup (p.Glu374fs)

Genes: ATL3 (atlastin GTPase 3; minus strand), LNCROPM (lncRNA regulator of PLAAT3 mediated phospholipid metabolism; plus strand), LOC126861231 (CDK7 strongly-dependent group 2 enhancer GRCh37_chr11:63398741-63399940; plus strand). Cytogenetic location: 11q13.1.
Variant type: Duplication.
Coding change: c.1118dup on transcript NM_015459.5 (MANE Select); coding-DNA position 1118, one base duplicated (G; older notation c.1118dupG).
Protein change: p.Glu374fs; shifts the reading frame from glutamic acid 374.
Molecular consequence: frameshift variant.
Genome position (GRCh38, 1-based): chr11:63,631,461, C duplicated on the plus strand (G on the coding strand, the reverse complement: ATL3 is on the minus strand); the first of 5 consecutive C bases (chr11:63,631,461-63,631,465); duplicating any one gives the same sequence. VCF-style (leftmost placement, unchanged base first): chr11-63631460-T-TC. GRCh37 (hg19) VCF-style: chr11-63398932-T-TC.
Other names: c.1064dup, p.Glu356fs (NM_001290048.2); short protein forms E356fs, E374fs.
Identifiers: ClinVar variation 2826732 (VCV002826732.3), dbSNP rs2495622443, ClinGen allele CA2739270477.

ClinVar aggregate classification (germline): Uncertain significance (1 of 4 stars; one submission).

Conditions:
Neuropathy, hereditary sensory, type 1F. Also called: Hereditary sensory neuropathy type IF; HSN IF. Identifiers: Orphanet 36386, MedGen C3810194, MONDO:0014286, OMIM 615632.

Submission:

Labcorp Genetics (formerly Invitae), Labcorp
Classification: Uncertain significance for Neuropathy, hereditary sensory, type 1F. Last evaluated: 2023-01-07. Review status: criteria provided, single submitter. Criteria: Invitae Variant Classification Sherloc (09022015). Collection method: clinical testing. Allele origin: germline.
Comment: In summary, the available evidence is currently insufficient to determine the role of this variant in disease. Therefore, it has been classified as a Variant of Uncertain Significance. This variant has not been reported in the literature in individuals affected with ATL3-related conditions. This variant is not present in population databases (gnomAD no frequency). This sequence change creates a premature translational stop signal (p.Glu374Argfs*16) in the ATL3 gene. It is expected to result in an absent or disrupted protein product. However, the current clinical and genetic evidence is not sufficient to establish whether loss-of-function variants in ATL3 cause disease.